The following is an entry in ClinVar:

ClinVar aggregate classification (germline): Uncertain significance (1 of 4 stars; one submission).

Conditions:
Primary immunodeficiency with post-measles-mumps-rubella vaccine viral infection. Also called: Immunodeficiency 44. Identifiers: Orphanet 431166, MedGen C4225260, MONDO:0014715, OMIM 616636.

Allele frequency attached by ClinVar (database versions not stated): TOPMed 0.00002; gnomAD 0.00003 and 0.00004; ExAC 0.00005; gnomAD exomes 0.00005; ESP Exome Variant Server 0.00008.

Submission:

Labcorp Genetics (formerly Invitae), Labcorp
Classification: Uncertain significance for Primary immunodeficiency with post-measles-mumps-rubella vaccine viral infection. Last evaluated: 2025-09-26. Review status: criteria provided, single submitter. Criteria: Invitae Variant Classification Sherloc (09022015). Collection method: clinical testing. Allele origin: germline.
Comment: This sequence change replaces glutamic acid, which is acidic and polar, with lysine, which is basic and polar, at codon 229 of the STAT2 protein (p.Glu229Lys). This variant is present in population databases (rs200581403, gnomAD 0.009%). This variant has not been reported in the literature in individuals affected with STAT2-related conditions. ClinVar contains an entry for this variant (Variation ID: 1412290). Invitae Evidence Modeling of protein sequence and biophysical properties (such as structural, functional, and spatial information, amino acid conservation, physicochemical variation, residue mobility, and thermodynamic stability) indicates that this missense variant is not expected to disrupt STAT2 protein function with a negative predictive value of 80%. In summary, the available evidence is currently insufficient to determine the role of this variant in disease. Therefore, it has been classified as a Variant of Uncertain Significance.

NM_005419.4(STAT2):c.685G>A (p.Glu229Lys)

Gene: STAT2 (signal transducer and activator of transcription 2; minus strand). Cytogenetic location: 12q13.3.
Variant type: single nucleotide variant.
Coding change: c.685G>A on transcript NM_005419.4 (MANE Select); coding-DNA position 685, G replaced by A.
Protein change: p.Glu229Lys; replaces glutamic acid 229 with lysine.
Molecular consequence: missense variant.
Genome position (GRCh38, 1-based): chr12:56,354,563, C>T on the plus strand (G>A on the coding strand, the complement: STAT2 is on the minus strand). VCF-style: chr12-56354563-C-T. GRCh37 (hg19) VCF-style: chr12-56748347-C-T.
Other names: c.673G>A, p.Glu225Lys (NM_001385110.1, NM_001385115.1, NM_198332.2); c.685G>A, p.Glu229Lys (NM_001385111.1, NM_001385113.1, NM_001385114.1); short protein forms E225K, E229K.
Identifiers: ClinVar variation 1412290 (VCV001412290.6), dbSNP rs200581403, ClinGen allele CA6630785.